The following is an entry in ClinVar:

ClinVar aggregate classification (germline): Uncertain significance (1 of 4 stars; one submission).

Conditions:
Erythrocytosis, familial, 3 (ECYT3). Identifiers: Orphanet 247511, MedGen C1853286, MONDO:0012353, OMIM 609820.

Submission:

Labcorp Genetics (formerly Invitae), Labcorp
Classification: Uncertain significance for Erythrocytosis, familial, 3. Last evaluated: 2022-12-04. Review status: criteria provided, single submitter. Criteria: Invitae Variant Classification Sherloc (09022015). Collection method: clinical testing. Allele origin: germline.
Comment: This sequence change replaces alanine, which is neutral and non-polar, with glycine, which is neutral and non-polar, at codon 88 of the EGLN1 protein (p.Ala88Gly). In summary, the available evidence is currently insufficient to determine the role of this variant in disease. Therefore, it has been classified as a Variant of Uncertain Significance. Algorithms developed to predict the effect of missense changes on protein structure and function output the following: SIFT: "Deleterious"; PolyPhen-2: "Benign"; Align-GVGD: "Class C0". The glycine amino acid residue is found in multiple mammalian species, which suggests that this missense change does not adversely affect protein function. This variant has not been reported in the literature in individuals affected with EGLN1-related conditions. This variant is not present in population databases (gnomAD no frequency).

NM_022051.3(EGLN1):c.263C>G (p.Ala88Gly)

Gene: EGLN1 (egl-9 family hypoxia inducible factor 1; minus strand). Cytogenetic location: 1q42.2.
Variant type: single nucleotide variant.
Coding change: c.263C>G on transcript NM_022051.3 (MANE Select); coding-DNA position 263, C replaced by G.
Protein change: p.Ala88Gly; replaces alanine 88 with glycine.
Molecular consequence: missense variant.
Genome position (GRCh38, 1-based): chr1:231,421,626, G>C on the plus strand (C>G on the coding strand, the complement: EGLN1 is on the minus strand). VCF-style: chr1-231421626-G-C. GRCh37 (hg19) VCF-style: chr1-231557372-G-C.
Other names: c.263C>G, p.Ala88Gly (NM_001377260.1, NM_001377261.1); short protein forms A88G.
Identifiers: ClinVar variation 2818500 (VCV002818500.3), dbSNP rs2527361006, ClinGen allele CA345238188.